The following is an entry in ClinVar:

ClinVar aggregate classification (germline): Uncertain significance (1 of 4 stars; one submission).

Conditions:
Inborn genetic diseases. Identifiers: MedGen C0950123, MeSH D030342.

Submission:

Ambry Genetics
Classification: Uncertain significance for Inborn genetic diseases. Last evaluated: 2025-10-10. Review status: criteria provided, single submitter. Criteria: Ambry Variant Classification Scheme 2023. Collection method: clinical testing. Allele origin: germline.
Comment: The p.G214E variant (also known as c.641G>A), located in coding exon 1 of the SH2B3 gene, results from a G to A substitution at nucleotide position 641. The glycine at codon 214 is replaced by glutamic acid, an amino acid with similar properties. This amino acid position is conserved. In addition, the in silico prediction for this alteration is inconclusive. Based on the available evidence, the clinical significance of this variant remains unclear.

NM_005475.3(SH2B3):c.641G>A (p.Gly214Glu)

Gene: SH2B3 (SH2B adaptor protein 3; plus strand). Cytogenetic location: 12q24.12.
Variant type: single nucleotide variant.
Coding change: c.641G>A on transcript NM_005475.3 (MANE Select); coding-DNA position 641, G replaced by A.
Protein change: p.Gly214Glu; replaces glycine 214 with glutamic acid.
Molecular consequence: missense variant.
Genome position (GRCh38, 1-based): chr12:111,418,786, G>A. VCF-style: chr12-111418786-G-A. GRCh37 (hg19) VCF-style: chr12-111856590-G-A.
Other names: short protein forms G214E.
Identifiers: ClinVar variation 4630705 (VCV004630705.1).